The following is an entry in ClinVar:

ClinVar aggregate classification (germline): Uncertain significance (1 of 4 stars; one submission).

Submission:

GeneDx
Classification: Uncertain significance. Last evaluated: 2024-11-22. Review status: criteria provided, single submitter. Criteria: GeneDx Variant Classification Process June 2021. Collection method: clinical testing. Allele origin: germline. Affected: yes.
Comment: Not observed at significant frequency in large population cohorts (gnomAD); In silico analysis supports that this missense variant has a deleterious effect on protein structure/function; Has not been previously published as pathogenic or benign to our knowledge

NM_014991.6(WDFY3):c.4916A>G (p.Asp1639Gly)

Gene: WDFY3 (WD repeat and FYVE domain containing 3; minus strand). Cytogenetic location: 4q21.23.
Variant type: single nucleotide variant.
Coding change: c.4916A>G on transcript NM_014991.6 (MANE Select); coding-DNA position 4916, A replaced by G.
Protein change: p.Asp1639Gly; replaces aspartic acid 1639 with glycine.
Molecular consequence: missense variant.
Genome position (GRCh38, 1-based): chr4:84,766,306, T>C on the plus strand (A>G on the coding strand, the complement: WDFY3 is on the minus strand). VCF-style: chr4-84766306-T-C. GRCh37 (hg19) VCF-style: chr4-85687459-T-C.
Other names: short protein forms D1639G.
Identifiers: ClinVar variation 3900530 (VCV003900530.1).
Genomic context (GRCh38, chr4:84,766,306, plus strand): 5'-ACTTACTGCAAATTAATGCTTGTCTTTTCTTTAGATGTATAAATTAGTTTTAGCAAGATA[T>C]CCAGAAGTCTGTTCCTCAAAAGTATAAGATTAGCTGATACAAGACCTCCAAACTCCTCTT-3'
Protein context (NP_055806.2, residues 1629-1649): NLILLRNRLL[Asp1639Gly]ILLKLIYTSK